The following is an entry in ClinVar:

ClinVar aggregate classification (germline): Pathogenic (1 of 4 stars; one submission).

Conditions:
Seizure. Also called: Seizures. Identifiers: MedGen C0036572, HP:0001250.

Submission:

Cytogénomique, Hospices Civils de Lyon
Classification: Pathogenic for Seizure. Last evaluated: 2020-12-21. Review status: criteria provided, single submitter. Criteria: ACMG Guidelines, 2015. Collection method: clinical testing. Allele origin: germline. Inheritance: Sporadic. Affected: yes.
Comment: Truncating variant absent from gnomAD.

NM_001323289.2(CDKL5):c.2094del (p.Glu699fs)

Gene: CDKL5 (cyclin dependent kinase like 5; plus strand). Cytogenetic location: Xp22.13.
Variant type: Deletion.
Coding change: c.2094del on transcript NM_001323289.2 (MANE Select); coding-DNA position 2094, one base deleted (A; older notation c.2094delA).
Protein change: p.Glu699fs; shifts the reading frame from glutamic acid 699.
Molecular consequence: frameshift variant.
Genome position (GRCh38, 1-based): chrX:18,609,512, A deleted; the last of 3 consecutive A bases (chrX:18,609,510-18,609,512); deleting any one gives the same sequence. VCF-style (leftmost placement, unchanged base first): chrX-18609509-CA-C. GRCh37 (hg19) VCF-style: chrX-18627629-CA-C.
Other names: c.2094del, p.Glu699fs (NM_001037343.2, NM_003159.3); short protein forms E699fs.
Identifiers: ClinVar variation 992590 (VCV000992590.1), dbSNP rs1926473501, ClinGen allele CA1139667247.
Genomic context (GRCh38, chrX:18,609,509, plus strand): 5'-TTCTTTCCTGCCTCAGGGTGGAGTGTATCATGACCCACACTCTGATGATGGCACAGCCCC[CA>C]AAGAAAATAGACACCTATACAATGATCCTGTGCCAAGGAGAGTTGGTAGCTTTTACAGAG-3'